The following is an entry in ClinVar:

ClinVar aggregate classification (germline): Uncertain significance. Review status: criteria provided, multiple submitters, no conflicts (2 of 4 stars). 4 submissions from 4 submitters: Uncertain significance (4). Last evaluated 2025-05-09.

Conditions:
RAX2-related disorder. Also called: RAX2-related disorders; RAX2-related condition.

Allele frequency attached by ClinVar (database versions not stated): TOPMed 0.00003; gnomAD 0.00009 and 0.00010; gnomAD exomes 0.00010.

Submissions (4):

PreventionGenetics, part of Exact Sciences
Classification: Uncertain significance for RAX2-related condition. Last evaluated: 2025-05-09. Review status: criteria provided, single submitter. Criteria: ACMG Guidelines, 2015. Collection method: clinical testing. Allele origin: germline.
Comment: The RAX2 c.335C>T variant is predicted to result in the amino acid substitution p.Pro112Leu. To our knowledge, this variant has not been reported in the literature. This variant is reported in 0.035% of alleles in individuals of East Asian descent in gnomAD. At this time, the clinical significance of this variant is uncertain due to the absence of conclusive functional and genetic evidence.

Ambry Genetics
Classification: Uncertain significance. Last evaluated: 2025-03-18. Review status: criteria provided, single submitter. Criteria: Ambry Variant Classification Scheme 2023. Collection method: clinical testing. Allele origin: germline.

Labcorp Genetics (formerly Invitae), Labcorp
Classification: Uncertain significance. Last evaluated: 2025-01-23. Review status: criteria provided, single submitter. Criteria: Invitae Variant Classification Sherloc (09022015). Collection method: clinical testing. Allele origin: germline.
Comment: This sequence change replaces proline, which is neutral and non-polar, with leucine, which is neutral and non-polar, at codon 112 of the RAX2 protein (p.Pro112Leu). This variant is present in population databases (rs781281689, gnomAD 0.04%). This variant has not been reported in the literature in individuals affected with RAX2-related conditions. ClinVar contains an entry for this variant (Variation ID: 1035239). An algorithm developed to predict the effect of missense changes on protein structure and function (PolyPhen-2) suggests that this variant is likely to be disruptive. In summary, the available evidence is currently insufficient to determine the role of this variant in disease. Therefore, it has been classified as a Variant of Uncertain Significance.

Blueprint Genetics
Classification: Uncertain significance. Last evaluated: 2024-06-06. Review status: criteria provided, single submitter. Criteria: ACMG Guidelines, 2015. Collection method: clinical testing. Allele origin: germline.

NM_001319074.4(RAX2):c.335C>T (p.Pro112Leu)

Gene: RAX2 (retina and anterior neural fold homeobox 2; minus strand). Cytogenetic location: 19p13.3.
Variant type: single nucleotide variant.
Coding change: c.335C>T on transcript NM_001319074.4 (MANE Select); coding-DNA position 335, C replaced by T.
Protein change: p.Pro112Leu; replaces proline 112 with leucine.
Molecular consequence: missense variant.
Genome position (GRCh38, 1-based): chr19:3,770,841, G>A on the plus strand (C>T on the coding strand, the complement: RAX2 is on the minus strand). VCF-style: chr19-3770841-G-A. GRCh37 (hg19) VCF-style: chr19-3770839-G-A.
Other names: c.335C>T, p.Pro112Leu (NM_032753.4); c.335C>T (NM_032753.3); short protein forms P112L.
Identifiers: ClinVar variation 1035239 (VCV001035239.13), dbSNP rs781281689, ClinGen allele CA9085042.